The following is an entry in ClinVar:

ClinVar aggregate classification (germline): Likely pathogenic (1 of 4 stars; one submission).

Conditions:
Salla disease (SD). Also called: Sialuria, Finnish type; N-acetylneuraminic acid (NANA) storage disease (NSD); Infantile sialic acid storage disorder (ISSD); Less Severe FSASD (Salla Disease). Identifiers: Orphanet 309334, Orphanet 834, MedGen C1096903, MONDO:0011449, OMIM 604369.

gnomAD v4.1: 2 of 1,602,158 alleles (0.00012%); highest among the groups gnomAD compares: Non-Finnish European, 0.00017%; no homozygotes.

Submission:

Labcorp Genetics (formerly Invitae), Labcorp
Classification: Likely pathogenic for Salla disease. Last evaluated: 2021-07-14. Review status: criteria provided, single submitter. Criteria: Invitae Variant Classification Sherloc (09022015). Collection method: clinical testing. Allele origin: germline.
Comment: This sequence change affects a donor splice site in intron 7 of the SLC17A5 gene. It is expected to disrupt RNA splicing. Variants that disrupt the donor or acceptor splice site typically lead to a loss of protein function (PMID: 16199547), and loss-of-function variants in SLC17A5 are known to be pathogenic (PMID: 10581036, 10947946, 15172001). This variant is not present in population databases (ExAC no frequency). This variant has not been reported in the literature in individuals affected with SLC17A5-related conditions. Algorithms developed to predict the effect of sequence changes on RNA splicing suggest that this variant may disrupt the consensus splice site. In summary, the currently available evidence indicates that the variant is pathogenic, but additional data are needed to prove that conclusively. Therefore, this variant has been classified as Likely Pathogenic.

Literature cited by the submitters: PubMed 16199547; PubMed 10581036; PubMed 10947946; PubMed 15172001.

NM_012434.5(SLC17A5):c.978+1G>A

Gene: SLC17A5 (solute carrier family 17 member 5; minus strand). Cytogenetic location: 6q13.
Variant type: single nucleotide variant.
Coding change: c.978+1G>A on transcript NM_012434.5 (MANE Select); the canonical splice donor site of the intron after coding-DNA position 978, G replaced by A.
Molecular consequence: splice donor variant. On other transcripts: intron variant (1).
Genome position (GRCh38, 1-based): chr6:73,621,803, C>T on the plus strand (G>A on the coding strand, the complement: SLC17A5 is on the minus strand). VCF-style: chr6-73621803-C-T. GRCh37 (hg19) VCF-style: chr6-74331526-C-T.
Other names: c.660+1G>A (NM_001382636.1); c.747+1G>A (NM_001382629.1); c.891+1G>A (NM_001382632.1); c.975+1G>A (NM_001382635.1); c.820-6356G>A (NM_001382634.1); c.978+1G>A (NM_001382630.1, NM_001382633.1); c.999+1G>A (NM_001382631.1).
Identifiers: ClinVar variation 1500200 (VCV001500200.6), dbSNP rs2150099218, ClinGen allele CA364713163.